The following is an entry in ClinVar:

NM_001372.4(DNAH9):c.6848-1G>C

Gene: DNAH9 (dynein axonemal heavy chain 9; plus strand). Cytogenetic location: 17p12.
Variant type: single nucleotide variant.
Coding change: c.6848-1G>C on transcript NM_001372.4 (MANE Select); the canonical splice acceptor site of the intron before coding-DNA position 6848, G replaced by C.
Molecular consequence: splice acceptor variant.
Genome position (GRCh38, 1-based): chr17:11,757,544, G>C. VCF-style: chr17-11757544-G-C. GRCh37 (hg19) VCF-style: chr17-11660861-G-C.
Identifiers: ClinVar variation 1996289 (VCV001996289.4), dbSNP rs1281635283, ClinGen allele CA398195460.
Genomic context (GRCh38, chr17:11,757,544, plus strand): 5'-GGGTGAAAAATATAATGATGTATATGGAATATTCACTAAACTGTATTCTCTGTGCTCACA[G>C]GGATCTTGTACATCAACCCGGCAGACTTGGGATGGAACCCTCCAGTGAGCAGCTGGATTG-3'

ClinVar aggregate classification (germline): Likely pathogenic (1 of 4 stars; one submission).

Submission:

Labcorp Genetics (formerly Invitae), Labcorp
Classification: Likely pathogenic. Last evaluated: 2022-10-28. Review status: criteria provided, single submitter. Criteria: Invitae Variant Classification Sherloc (09022015). Collection method: clinical testing. Allele origin: germline.
Comment: In summary, the currently available evidence indicates that the variant is pathogenic, but additional data are needed to prove that conclusively. Therefore, this variant has been classified as Likely Pathogenic. Algorithms developed to predict the effect of sequence changes on RNA splicing suggest that this variant may disrupt the consensus splice site. This variant has not been reported in the literature in individuals affected with DNAH9-related conditions. This variant is not present in population databases (gnomAD no frequency). This sequence change affects an acceptor splice site in intron 34 of the DNAH9 gene. It is expected to disrupt RNA splicing. Variants that disrupt the donor or acceptor splice site typically lead to a loss of protein function (PMID: 16199547), and loss-of-function variants in DNAH9 are known to be pathogenic (PMID: 30471718).

Literature cited by the submitters: PubMed 16199547; PubMed 30471718.